The following is an entry in ClinVar:

ClinVar aggregate classification (germline): Uncertain significance (1 of 4 stars; one submission).

Conditions:
Primary familial hypertrophic cardiomyopathy (HCM). Identifiers: Orphanet 99739, MedGen C0949658, MeSH D024741, MONDO:0024573. Inheritance: Various modes of inheritance.
Hypertrophic cardiomyopathy 25 (CMH25). Also called: CARDIOMYOPATHY, FAMILIAL HYPERTROPHIC, 25. Identifiers: MedGen C4225408, MONDO:0011843, OMIM 607487.

Allele frequency attached by ClinVar (database versions not stated): gnomAD exomes below 0.00001.

Submission:

Labcorp Genetics (formerly Invitae), Labcorp
Classification: Uncertain significance for Hypertrophic cardiomyopathy 25; Primary familial hypertrophic cardiomyopathy. Last evaluated: 2022-10-26. Review status: criteria provided, single submitter. Criteria: Invitae Variant Classification Sherloc (09022015). Collection method: clinical testing. Allele origin: germline.
Comment: Algorithms developed to predict the effect of missense changes on protein structure and function output the following: SIFT: "Tolerated"; PolyPhen-2: "Benign"; Align-GVGD: "Class C0". The threonine amino acid residue is found in multiple mammalian species, which suggests that this missense change does not adversely affect protein function. In summary, the available evidence is currently insufficient to determine the role of this variant in disease. Therefore, it has been classified as a Variant of Uncertain Significance. This variant has not been reported in the literature in individuals affected with TCAP-related conditions. This variant is not present in population databases (gnomAD no frequency). This sequence change replaces methionine, which is neutral and non-polar, with threonine, which is neutral and polar, at codon 160 of the TCAP protein (p.Met160Thr).

NM_003673.4(TCAP):c.479T>C (p.Met160Thr)

Gene: TCAP (titin-cap; plus strand). Cytogenetic location: 17q12.
Variant type: single nucleotide variant.
Coding change: c.479T>C on transcript NM_003673.4 (MANE Select); coding-DNA position 479, T replaced by C.
Protein change: p.Met160Thr; replaces methionine 160 with threonine.
Molecular consequence: missense variant.
Genome position (GRCh38, 1-based): chr17:39,666,084, T>C. VCF-style: chr17-39666084-T-C. GRCh37 (hg19) VCF-style: chr17-37822337-T-C.
Other names: short protein forms M160T.
Identifiers: ClinVar variation 1722201 (VCV001722201.6), dbSNP rs2145075002, ClinGen allele CA399306069.